The following is an entry in ClinVar:

ClinVar aggregate classification (germline): Likely pathogenic (1 of 4 stars; one submission).

gnomAD v4.1: 2 of 1,550,676 alleles (0.00013%); highest among the groups gnomAD compares: Non-Finnish European, 0.00017%; no homozygotes.

Submission:

GeneDx
Classification: Likely pathogenic. Last evaluated: 2024-01-24. Review status: criteria provided, single submitter. Criteria: GeneDx Variant Classification Process June 2021. Collection method: clinical testing. Allele origin: germline. Affected: yes.
Comment: Nonsense variant predicted to result in protein truncation or nonsense mediated decay in a gene or region of a gene for which loss of function is not a well-established mechanism of disease; Not observed at significant frequency in large population cohorts (gnomAD); Has not been previously published as pathogenic or benign to our knowledge

NM_018896.5(CACNA1G):c.556C>T (p.Arg186Ter)

Gene: CACNA1G (calcium voltage-gated channel subunit alpha1 G; plus strand). Cytogenetic location: 17q21.33.
Variant type: single nucleotide variant.
Coding change: c.556C>T on transcript NM_018896.5 (MANE Select); coding-DNA position 556, C replaced by T.
Protein change: p.Arg186Ter; replaces arginine 186 with a stop codon.
Molecular consequence: nonsense. On other transcripts: non-coding transcript variant (5).
Genome position (GRCh38, 1-based): chr17:50,569,773, C>T. VCF-style: chr17-50569773-C-T. GRCh37 (hg19) VCF-style: chr17-48647134-C-T.
Other names: c.556C>T, p.Arg186Ter (NM_001256324.2, NM_001256325.2, NM_001256326.2 and 24 more transcripts); short protein forms R186*.
Identifiers: ClinVar variation 3359834 (VCV003359834.1).